The following is an entry in ClinVar:

NM_000540.3(RYR1):c.9795G>C (p.Glu3265Asp)

Gene: RYR1 (ryanodine receptor 1; plus strand). Cytogenetic location: 19q13.2.
Variant type: single nucleotide variant.
Coding change: c.9795G>C on transcript NM_000540.3 (MANE Select); coding-DNA position 9795, G replaced by C.
Protein change: p.Glu3265Asp; replaces glutamic acid 3265 with aspartic acid.
Molecular consequence: missense variant.
Genome position (GRCh38, 1-based): chr19:38,517,468, G>C. VCF-style: chr19-38517468-G-C. GRCh37 (hg19) VCF-style: chr19-39008108-G-C.
Other names: c.9795G>C, p.Glu3265Asp (NM_001042723.2); short protein forms E3265D.
Identifiers: ClinVar variation 1014470 (VCV001014470.7), dbSNP rs1216462019, ClinGen allele CA405692060.

ClinVar aggregate classification (germline): Uncertain significance (1 of 4 stars; one submission).

Conditions:
RYR1-related disorder. Also called: RYR1-related condition; RYR1-related disorders. Identifiers: MedGen CN239331.

Allele frequency attached by ClinVar (database versions not stated): gnomAD exomes below 0.00001; gnomAD 0.00001.
gnomAD v4.1: 2 of 1,614,002 alleles (0.00012%); highest among the groups gnomAD compares: Admixed American, 0.0033%; no homozygotes.

Submission:

Labcorp Genetics (formerly Invitae), Labcorp
Classification: Uncertain significance for RYR1-related disorder. Last evaluated: 2024-10-15. Review status: criteria provided, single submitter. Criteria: Invitae Variant Classification Sherloc (09022015). Collection method: clinical testing. Allele origin: germline.
Comment: This sequence change replaces glutamic acid, which is acidic and polar, with aspartic acid, which is acidic and polar, at codon 3265 of the RYR1 protein (p.Glu3265Asp). This variant is present in population databases (no rsID available, gnomAD 0.003%). This variant has not been reported in the literature in individuals affected with RYR1-related conditions. ClinVar contains an entry for this variant (Variation ID: 1014470). Invitae Evidence Modeling of protein sequence and biophysical properties (such as structural, functional, and spatial information, amino acid conservation, physicochemical variation, residue mobility, and thermodynamic stability) indicates that this missense variant is not expected to disrupt RYR1 protein function with a negative predictive value of 80%. In summary, the available evidence is currently insufficient to determine the role of this variant in disease. Therefore, it has been classified as a Variant of Uncertain Significance.